The following is an entry in ClinVar:

NM_017654.4(SAMD9):c.578C>T (p.Pro193Leu)

Gene: SAMD9 (sterile alpha motif domain containing 9; minus strand). Cytogenetic location: 7q21.2.
Variant type: single nucleotide variant.
Coding change: c.578C>T on transcript NM_017654.4 (MANE Select); coding-DNA position 578, C replaced by T.
Protein change: p.Pro193Leu; replaces proline 193 with leucine.
Molecular consequence: missense variant.
Genome position (GRCh38, 1-based): chr7:93,105,520, G>A on the plus strand (C>T on the coding strand, the complement: SAMD9 is on the minus strand). VCF-style: chr7-93105520-G-A. GRCh37 (hg19) VCF-style: chr7-92734833-G-A.
Other names: c.578C>T (NM_017654.3); c.578C>T, p.Pro193Leu (NM_001193307.2); short protein forms P193L.
Identifiers: ClinVar variation 1496895 (VCV001496895.8), dbSNP rs151163886, ClinGen allele CA4343116.
Genomic context (GRCh38, chr7:93,105,520, plus strand): 5'-ATCTTGACATCCTCTTCTGTGGCTGTTGCTGTATTTGTGAAGGCTTTGAATTCATGTATC[G>A]GATCAATGAGATTGCCTGGTCCTGTTTCAGGCTGTAGACTAAAATCCAACTTGTAACGAT-3'
Protein context (NP_060124.2, residues 183-203): PETGPGNLID[Pro193Leu]IHEFKAFTNT

ClinVar aggregate classification (germline): Uncertain significance. Review status: criteria provided, multiple submitters, no conflicts (2 of 4 stars). 4 submissions from 4 submitters: Uncertain significance (4). Last evaluated 2026-08-06.

Conditions:
Normophosphatemic familial tumoral calcinosis. Also called: CALCINOSIS, TUMORAL, WITH NORMOPHOSPHATEMIA. Identifiers: Orphanet 306658, Orphanet 53715, MedGen C1864861, MONDO:0012502, OMIM 610455.
Differences in sex development.

Allele frequency attached by ClinVar (database versions not stated): gnomAD 0.00001 and 0.00005; gnomAD exomes 0.00003 and 0.00006; TOPMed 0.00003; ExAC 0.00004; 1000 Genomes Project 30x 0.00016; 1000 Genomes Project 0.00020.

Submissions (4):

NHS Central & South Genomic Laboratory Hub
Classification: Uncertain significance for Differences in sex development. Last evaluated: 2026-08-06. Review status: criteria provided, single submitter. Criteria: ACMG Guidelines, 2015. Collection method: clinical testing. Allele origin: germline. Affected: yes.

Myriad Genetics, Inc.
Classification: Uncertain significance for Normophosphatemic familial tumoral calcinosis. Last evaluated: 2026-04-07. Review status: criteria provided, single submitter. Criteria: Myriad Autosomal Dominant, Autosomal Recessive and X-Linked Classification Criteria (2023). Collection method: clinical testing. Allele origin: unknown.
Comment: NM_017654.3(SAMD9):c.578C>T(P193L) is a missense variant classified as a variant of uncertain significance in the context of normophosphatemic familial tumoral calcinosis. P193L has not been observed in cases with relevant disease. Relevant functional assessments of this variant are not available in the literature. P193L has been observed in referenced population frequency databases. In summary, there is insufficient evidence to classify NM_017654.3(SAMD9):c.578C>T(P193L) as pathogenic or benign. Please note: this variant was assessed in the context of healthy population screening.

Labcorp Genetics (formerly Invitae), Labcorp
Classification: Uncertain significance. Last evaluated: 2025-11-03. Review status: criteria provided, single submitter. Criteria: Invitae Variant Classification Sherloc (09022015). Collection method: clinical testing. Allele origin: germline.
Comment: This sequence change replaces proline, which is neutral and non-polar, with leucine, which is neutral and non-polar, at codon 193 of the SAMD9 protein (p.Pro193Leu). This variant is present in population databases (rs151163886, gnomAD 0.02%), including at least one homozygous and/or hemizygous individual. This variant has not been reported in the literature in individuals affected with SAMD9-related conditions. ClinVar contains an entry for this variant (Variation ID: 1496895). Invitae Evidence Modeling of protein sequence and biophysical properties (such as structural, functional, and spatial information, amino acid conservation, physicochemical variation, residue mobility, and thermodynamic stability) has been performed for this missense variant. However, the output from this modeling did not meet the statistical confidence thresholds required to predict the impact of this variant on SAMD9 protein function. In summary, the available evidence is currently insufficient to determine the role of this variant in disease. Therefore, it has been classified as a Variant of Uncertain Significance.

GeneDx
Classification: Uncertain significance. Last evaluated: 2023-02-06. Review status: criteria provided, single submitter. Criteria: GeneDx Variant Classification Process June 2021. Collection method: clinical testing. Allele origin: germline. Affected: yes.
Comment: In silico analysis supports that this missense variant has a deleterious effect on protein structure/function; Has not been previously published as pathogenic or benign to our knowledge